The following is an entry in ClinVar:

NM_014141.6(CNTNAP2):c.1349-1G>A

Gene: CNTNAP2 (contactin associated protein 2; plus strand). Cytogenetic location: 7q35.
Variant type: single nucleotide variant.
Coding change: c.1349-1G>A on transcript NM_014141.6 (MANE Select); the canonical splice acceptor site of the intron before coding-DNA position 1349, G replaced by A.
Molecular consequence: splice acceptor variant.
Genome position (GRCh38, 1-based): chr7:147,300,140, G>A. VCF-style: chr7-147300140-G-A. GRCh37 (hg19) VCF-style: chr7-146997232-G-A.
Identifiers: ClinVar variation 2846319 (VCV002846319.3), dbSNP rs748180430, ClinGen allele CA4546045.

ClinVar aggregate classification (germline): Likely pathogenic (1 of 4 stars; one submission).

Conditions:
Cortical dysplasia-focal epilepsy syndrome (PTHSL1). Also called: Pitt-Hopkins-like syndrome 1. Identifiers: Orphanet 163681, Orphanet 221150, MedGen C2750246, MONDO:0012400, OMIM 610042.

Allele frequency attached by ClinVar (database versions not stated): gnomAD exomes below 0.00001; ExAC 0.00002.
gnomAD v4.1: 4 of 1,613,966 alleles (0.00025%); highest among the groups gnomAD compares: Non-Finnish European, 0.00034%; no homozygotes.

Submission:

Labcorp Genetics (formerly Invitae), Labcorp
Classification: Likely pathogenic for Cortical dysplasia-focal epilepsy syndrome. Last evaluated: 2023-03-16. Review status: criteria provided, single submitter. Criteria: Invitae Variant Classification Sherloc (09022015). Collection method: clinical testing. Allele origin: germline.
Comment: This sequence change affects an acceptor splice site in intron 8 of the CNTNAP2 gene. It is expected to disrupt RNA splicing. Variants that disrupt the donor or acceptor splice site typically lead to a loss of protein function (PMID: 16199547), and loss-of-function variants in CNTNAP2 are known to be pathogenic (PMID: 19896112, 21827697, 25045150, 26843181, 27439707). This variant is present in population databases (rs748180430, gnomAD 0.003%). This variant has not been reported in the literature in individuals affected with CNTNAP2-related conditions. Algorithms developed to predict the effect of sequence changes on RNA splicing suggest that this variant may disrupt the consensus splice site. In summary, the currently available evidence indicates that the variant is pathogenic, but additional data are needed to prove that conclusively. Therefore, this variant has been classified as Likely Pathogenic.

Literature cited by the submitters: PubMed 16199547; PubMed 19896112; PubMed 21827697; PubMed 25045150; PubMed 26843181; PubMed 27439707.